The following is an entry in ClinVar:

NM_000719.7(CACNA1C):c.2669G>A (p.Arg890His)

Gene: CACNA1C (calcium voltage-gated channel subunit alpha1 C; plus strand). Cytogenetic location: 12p13.33.
Variant type: single nucleotide variant.
Coding change: c.2669G>A on transcript NM_000719.7 (MANE Select); coding-DNA position 2669, G replaced by A.
Protein change: p.Arg890His; replaces arginine 890 with histidine.
Molecular consequence: missense variant.
Genome position (GRCh38, 1-based): chr12:2,595,879, G>A. VCF-style: chr12-2595879-G-A. GRCh37 (hg19) VCF-style: chr12-2705045-G-A.
Other names: c.2669G>A, p.Arg890His (NM_001129827.2, NM_001129829.2, NM_001129830.3 and 18 more transcripts); c.2660G>A, p.Arg887His (NM_001129844.2); short protein forms R890H, R887H.
Identifiers: ClinVar variation 3690489 (VCV003690489.5).

ClinVar aggregate classification (germline): Conflicting classifications of pathogenicity. Review status: criteria provided, conflicting classifications (1 of 4 stars). 3 submissions from 3 submitters: Pathogenic (1); Likely pathogenic (1); Uncertain significance (1). Last evaluated 2026-05-11.

Conditions:
Long QT syndrome (LQTS). Identifiers: MedGen C0023976, MeSH D008133, MONDO:0002442. Disease mechanism: loss of function. Inheritance: Various modes of inheritance.

gnomAD v4.1: 1 of 1,613,044 alleles (0.000062%); highest among the groups gnomAD compares: Non-Finnish European, 0.000085%; no homozygotes.

Submissions (3):

GeneDx
Classification: Pathogenic. Last evaluated: 2026-05-11. Review status: criteria provided, single submitter. Criteria: GeneDx Variant Classification Process June 2021. Collection method: clinical testing. Allele origin: germline.
Comment: Reported previously as a de novo variant in an individual with autism; however, multiple de novo variants in other genes were identified and detailed clinical information is unavailable (PMID: 35982160); Not observed at significant frequency in large population cohorts (gnomAD); In silico analysis supports that this missense variant has a deleterious effect on protein structure/function; This variant is associated with the following publications: (PMID: 35982159, 35982160, 38958063)

Labcorp Genetics (formerly Invitae), Labcorp
Classification: Uncertain significance for Long QT syndrome. Last evaluated: 2024-05-31. Review status: criteria provided, single submitter. Criteria: Invitae Variant Classification Sherloc (09022015). Collection method: clinical testing. Allele origin: germline.
Comment: This sequence change replaces arginine, which is basic and polar, with histidine, which is basic and polar, at codon 890 of the CACNA1C protein (p.Arg890His). This variant is not present in population databases (gnomAD no frequency). This variant has not been reported in the literature in individuals affected with CACNA1C-related conditions. Advanced modeling of protein sequence and biophysical properties (such as structural, functional, and spatial information, amino acid conservation, physicochemical variation, residue mobility, and thermodynamic stability) performed at Invitae indicates that this missense variant is expected to disrupt CACNA1C protein function with a positive predictive value of 95%. In summary, the available evidence is currently insufficient to determine the role of this variant in disease. Therefore, it has been classified as a Variant of Uncertain Significance.

ARUP Laboratories, Molecular Genetics and Genomics, ARUP Laboratories
Classification: Likely pathogenic. Review status: criteria provided, single submitter. Criteria: ARUP Molecular Germline Variant Investigation Process 2024. Collection method: clinical testing. Allele origin: germline.
Comment: The CACNA1C c.2669G>A; p.Arg890His variant is reported in the literature in an individual affected with autism spectrum disorder (Fu 2022, Zhou 2022). This variant is absent from the Genome Aggregation Database (v2.1.1), indicating it is not a common polymorphism. Computational analyses predict that this variant is deleterious (REVEL: 0.918). Based on available information, this variant is considered to be likely pathogenic. References: Fu JM et al. Rare coding variation provides insight into the genetic architecture and phenotypic context of autism. Nat Genet. 2022 Sep;54(9):1320-1331. PMID: 35982160. Zhou X et al. Integrating de novo and inherited variants in 42,607 autism cases identifies mutations in new moderate-risk genes. Nat Genet. 2022 Sep;54(9):1305-1319. PMID: 35982159.